The following is an entry in ClinVar:

ClinVar aggregate classification (germline): Uncertain significance (1 of 4 stars; one submission).

Submission:

Labcorp Genetics (formerly Invitae), Labcorp
Classification: Uncertain significance. Last evaluated: 2024-02-05. Review status: criteria provided, single submitter. Criteria: Invitae Variant Classification Sherloc (09022015). Collection method: clinical testing. Allele origin: germline.
Comment: This sequence change replaces arginine, which is basic and polar, with serine, which is neutral and polar, at codon 108 of the WISP3 protein (p.Arg108Ser). This variant is not present in population databases (gnomAD no frequency). This variant has not been reported in the literature in individuals affected with WISP3-related conditions. ClinVar contains an entry for this variant (Variation ID: 2106417). An algorithm developed to predict the effect of missense changes on protein structure and function (PolyPhen-2) suggests that this variant is likely to be disruptive. In summary, the available evidence is currently insufficient to determine the role of this variant in disease. Therefore, it has been classified as a Variant of Uncertain Significance.

NM_198239.2(CCN6):c.324G>T (p.Arg108Ser)

Gene: CCN6 (cellular communication network factor 6; plus strand). Cytogenetic location: 6q21.
Variant type: single nucleotide variant.
Coding change: c.324G>T on transcript NM_198239.2 (MANE Select); coding-DNA position 324, G replaced by T.
Protein change: p.Arg108Ser; replaces arginine 108 with serine.
Molecular consequence: missense variant. On other transcripts: non-coding transcript variant (2).
Genome position (GRCh38, 1-based): chr6:112,061,266, G>T. VCF-style: chr6-112061266-G-T. GRCh37 (hg19) VCF-style: chr6-112382469-G-T.
Other names: c.324G>T, p.Arg108Ser (NM_003880.4); short protein forms R108S.
Identifiers: ClinVar variation 2106417 (VCV002106417.4), dbSNP rs2546920249, ClinGen allele CA365370178.